The following is an entry in ClinVar:

NM_015335.5(MED13L):c.4468G>A (p.Gly1490Ser)

Gene: MED13L (mediator complex subunit 13L; minus strand). Cytogenetic location: 12q24.21.
Variant type: single nucleotide variant.
Coding change: c.4468G>A on transcript NM_015335.5 (MANE Select); coding-DNA position 4468, G replaced by A.
Protein change: p.Gly1490Ser; replaces glycine 1490 with serine.
Molecular consequence: missense variant.
Genome position (GRCh38, 1-based): chr12:115,984,243, C>T on the plus strand (G>A on the coding strand, the complement: MED13L is on the minus strand). VCF-style: chr12-115984243-C-T. GRCh37 (hg19) VCF-style: chr12-116422048-C-T.
Other names: short protein forms G1490S.
Identifiers: ClinVar variation 1200076 (VCV001200076.5), dbSNP rs749956782, ClinGen allele CA6810793.
Genomic context (GRCh38, chr12:115,984,243, plus strand): 5'-GGTGATGGCGGCAAACTTGCGCATAAAGTTTGAGTCTGGAATGATTGTCATTCTCCTCGC[C>T]GCTCCAAGGCTGGTTAAACCACTCACTCACAAGCTCATCTGTCAGCTTCTGTGCCACAGT-3'
Protein context (NP_056150.1, residues 1480-1500): VSEWFNQPWS[Gly1490Ser]EENDNHSRLK

ClinVar aggregate classification (germline): Likely benign. Review status: criteria provided, multiple submitters, no conflicts (2 of 4 stars). 2 submissions from 2 submitters: Likely benign (2). Last evaluated 2023-02-23.

Conditions:
Inborn genetic diseases. Identifiers: MedGen C0950123, MeSH D030342.

Allele frequency attached by ClinVar (database versions not stated): gnomAD 0.00001; gnomAD exomes 0.00002 and 0.00004; ExAC 0.00003.
gnomAD v4.1: 28 of 1,613,760 alleles (0.0017%); highest among the groups gnomAD compares: Middle Eastern, 0.016%; no homozygotes.

Submissions (2):

Ambry Genetics
Classification: Likely benign for Inborn genetic diseases. Last evaluated: 2023-02-23. Review status: criteria provided, single submitter. Criteria: Ambry Variant Classification Scheme 2023. Collection method: clinical testing. Allele origin: germline.

GeneDx
Classification: Likely benign. Last evaluated: 2021-02-23. Review status: criteria provided, single submitter. Criteria: GeneDx Variant Classification Process June 2021. Collection method: clinical testing. Allele origin: germline. Affected: yes.
Comment: In silico analysis supports that this missense variant does not alter protein structure/function; Has not been previously published as pathogenic or benign to our knowledge